The following is an entry in ClinVar:

NM_001164665.2(KIAA1549):c.3998C>T (p.Pro1333Leu)

Gene: KIAA1549 (KIAA1549; minus strand). Cytogenetic location: 7q34.
Variant type: single nucleotide variant.
Coding change: c.3998C>T on transcript NM_001164665.2 (MANE Select); coding-DNA position 3998, C replaced by T.
Protein change: p.Pro1333Leu; replaces proline 1333 with leucine.
Molecular consequence: missense variant.
Genome position (GRCh38, 1-based): chr7:138,894,376, G>A on the plus strand (C>T on the coding strand, the complement: KIAA1549 is on the minus strand). VCF-style: chr7-138894376-G-A. GRCh37 (hg19) VCF-style: chr7-138579122-G-A.
Other names: c.3998C>T, p.Pro1333Leu (NM_020910.3); c.3998C>T (NM_001164665.1); short protein forms P1333L.
Identifiers: ClinVar variation 1444486 (VCV001444486.6), dbSNP rs751457130, ClinGen allele CA4506049.

ClinVar aggregate classification (germline): Uncertain significance. Review status: criteria provided, multiple submitters, no conflicts (2 of 4 stars). 2 submissions from 2 submitters: Uncertain significance (2). Last evaluated 2025-04-18.

Conditions:
Inborn genetic diseases. Identifiers: MedGen C0950123, MeSH D030342.

Allele frequency attached by ClinVar (database versions not stated): ExAC 0.00006; gnomAD exomes 0.00001 and 0.00005; TOPMed 0.00001; gnomAD 0.00002.
gnomAD v4.1: 8 of 1,613,856 alleles (0.0005%); highest among the groups gnomAD compares: East Asian, 0.018%; no homozygotes.

Submissions (2):

Ambry Genetics
Classification: Uncertain significance for Inborn genetic diseases. Last evaluated: 2025-04-18. Review status: criteria provided, single submitter. Criteria: Ambry Variant Classification Scheme 2023. Collection method: clinical testing. Allele origin: germline.

Labcorp Genetics (formerly Invitae), Labcorp
Classification: Uncertain significance. Last evaluated: 2022-07-31. Review status: criteria provided, single submitter. Criteria: Invitae Variant Classification Sherloc (09022015). Collection method: clinical testing. Allele origin: germline.
Comment: This sequence change replaces proline, which is neutral and non-polar, with leucine, which is neutral and non-polar, at codon 1333 of the KIAA1549 protein (p.Pro1333Leu). This variant is present in population databases (rs751457130, gnomAD 0.08%). This variant has not been reported in the literature in individuals affected with KIAA1549-related conditions. ClinVar contains an entry for this variant (Variation ID: 1444486). Algorithms developed to predict the effect of missense changes on protein structure and function (SIFT, PolyPhen-2, Align-GVGD) all suggest that this variant is likely to be disruptive. In summary, the available evidence is currently insufficient to determine the role of this variant in disease. Therefore, it has been classified as a Variant of Uncertain Significance.